The following is an entry in ClinVar:

ClinVar aggregate classification (germline): Uncertain significance. Review status: criteria provided, multiple submitters, no conflicts (2 of 4 stars). 3 submissions from 3 submitters: Uncertain significance (3). Last evaluated 2025-11-24.

Conditions:
Hereditary cancer-predisposing syndrome. Also called: Neoplastic Syndromes, Hereditary; Tumor predisposition; Hereditary Cancer Syndrome; Hereditary neoplastic syndrome. Identifiers: Orphanet 140162, MedGen C0027672, MeSH D009386, MONDO:0015356.
Familial cancer of breast. Also called: BREAST CANCER, FAMILIAL; Hereditary breast cancer; hereditary breast carcinoma. Identifiers: Orphanet 227535, MedGen C0346153, MONDO:0016419, OMIM 114480. Disease mechanism: loss of function.

Submissions (3):

Labcorp Genetics (formerly Invitae), Labcorp
Classification: Uncertain significance for Familial cancer of breast. Last evaluated: 2025-11-24. Review status: criteria provided, single submitter. Criteria: Invitae Variant Classification Sherloc (09022015). Collection method: clinical testing. Allele origin: germline.
Comment: This sequence change replaces serine, which is neutral and polar, with leucine, which is neutral and non-polar, at codon 168 of the PALB2 protein (p.Ser168Leu). This variant is not present in population databases (gnomAD no frequency). This variant has not been reported in the literature in individuals affected with PALB2-related conditions. ClinVar contains an entry for this variant (Variation ID: 187261). An algorithm developed to predict the effect of missense changes on protein structure and function outputs the following: PolyPhen-2: "Possibly Damaging". The leucine amino acid residue is found in multiple mammalian species, which suggests that this missense change does not adversely affect protein function. In summary, the available evidence is currently insufficient to determine the role of this variant in disease. Therefore, it has been classified as a Variant of Uncertain Significance.

Ambry Genetics
Classification: Uncertain significance for Hereditary cancer-predisposing syndrome. Last evaluated: 2024-07-09. Review status: criteria provided, single submitter. Criteria: Ambry Variant Classification Scheme 2023. Collection method: clinical testing. Allele origin: germline.
Comment: The p.S168L variant (also known as c.503C>T), located in coding exon 4 of the PALB2 gene, results from a C to T substitution at nucleotide position 503. The serine at codon 168 is replaced by leucine, an amino acid with dissimilar properties. This amino acid position is well conserved in available vertebrate species. In addition, the in silico prediction for this alteration is inconclusive. Based on the available evidence, the clinical significance of this variant remains unclear.

Quest Diagnostics Nichols Institute San Juan Capistrano
Classification: Uncertain significance. Last evaluated: 2018-06-25. Review status: criteria provided, single submitter. Criteria: Quest Diagnostics criteria. Collection method: clinical testing. Allele origin: germline.

NM_024675.4(PALB2):c.503C>T (p.Ser168Leu)

Gene: PALB2 (partner and localizer of BRCA2; minus strand). Cytogenetic location: 16p12.2.
Variant type: single nucleotide variant.
Coding change: c.503C>T on transcript NM_024675.4 (MANE Select); coding-DNA position 503, C replaced by T.
Protein change: p.Ser168Leu; replaces serine 168 with leucine.
Molecular consequence: missense variant.
Genome position (GRCh38, 1-based): chr16:23,636,043, G>A on the plus strand (C>T on the coding strand, the complement: PALB2 is on the minus strand). VCF-style: chr16-23636043-G-A. GRCh37 (hg19) VCF-style: chr16-23647364-G-A.
Other names: short protein forms S168L.
Identifiers: ClinVar variation 187261 (VCV000187261.16), dbSNP rs515726122, ClinGen allele CA197173.